The following is an entry in ClinVar:

NM_000264.5(PTCH1):c.3953C>A (p.Pro1318Gln)

Gene: PTCH1 (patched 1; minus strand). Cytogenetic location: 9q22.32.
Variant type: single nucleotide variant.
Coding change: c.3953C>A on transcript NM_000264.5 (MANE Select); coding-DNA position 3953, C replaced by A.
Protein change: p.Pro1318Gln; replaces proline 1318 with glutamine.
Molecular consequence: missense variant. On other transcripts: non-coding transcript variant (1).
Genome position (GRCh38, 1-based): chr9:95,447,303, G>T on the plus strand (C>A on the coding strand, the complement: PTCH1 is on the minus strand). VCF-style: chr9-95447303-G-T. GRCh37 (hg19) VCF-style: chr9-98209585-G-T.
Other names: c.3755C>A, p.Pro1252Gln (NM_001083602.3); c.3950C>A, p.Pro1317Gln (NM_001083603.3); c.3500C>A, p.Pro1167Gln (NM_001083604.3, NM_001083605.3, NM_001083606.3 and 1 more transcripts); c.3797C>A, p.Pro1266Gln (NM_001354918.2); short protein forms P1317Q, P1318Q, P1252Q, P1167Q, P1266Q.
Identifiers: ClinVar variation 824424 (VCV000824424.5), dbSNP rs536440590, ClinGen allele CA374110600.

ClinVar aggregate classification (germline): Uncertain significance (1 of 4 stars; one submission).

Conditions:
Hereditary cancer-predisposing syndrome. Also called: Neoplastic Syndromes, Hereditary; Tumor predisposition; Hereditary neoplastic syndrome; Hereditary Cancer Syndrome. Identifiers: Orphanet 140162, MedGen C0027672, MeSH D009386, MONDO:0015356.

gnomAD v4.1: 1 of 1,613,162 alleles (0.000062%); highest among the groups gnomAD compares: South Asian, 0.0011%; no homozygotes.

Submission:

Ambry Genetics
Classification: Uncertain significance for Hereditary cancer-predisposing syndrome. Last evaluated: 2025-04-23. Review status: criteria provided, single submitter. Criteria: Ambry Variant Classification Scheme 2023. Collection method: clinical testing. Allele origin: germline.
Comment: The p.P1318Q variant (also known as c.3953C>A), located in coding exon 23 of the PTCH1 gene, results from a C to A substitution at nucleotide position 3953. The proline at codon 1318 is replaced by glutamine, an amino acid with similar properties. This amino acid position is well conserved in available vertebrate species. In addition, the in silico prediction for this alteration is inconclusive. Since supporting evidence is limited at this time, the clinical significance of this alteration remains unclear.